The following is an entry in ClinVar:

ClinVar aggregate classification (germline): Uncertain significance (1 of 4 stars; one submission).

Conditions:
Familial thoracic aortic aneurysm and aortic dissection (TAAD). Also called: Thoracic aortic aneurysms and dissections. Identifiers: Orphanet 91387, MedGen C4707243, MONDO:0019625.

Submission:

Ambry Genetics
Classification: Uncertain significance for Familial thoracic aortic aneurysm and aortic dissection. Last evaluated: 2023-07-24. Review status: criteria provided, single submitter. Criteria: Ambry Variant Classification Scheme 2023. Collection method: clinical testing. Allele origin: germline.
Comment: The p.Q183R variant (also known as c.548A>G), located in coding exon 3 of the TGFB3 gene, results from an A to G substitution at nucleotide position 548. The glutamine at codon 183 is replaced by arginine, an amino acid with highly similar properties. This amino acid position is conserved. In addition, the in silico prediction for this alteration is inconclusive. Since supporting evidence is limited at this time, the clinical significance of this alteration remains unclear.

NM_003239.5(TGFB3):c.548A>G (p.Gln183Arg)

Gene: TGFB3 (transforming growth factor beta 3; minus strand). Cytogenetic location: 14q24.3.
Variant type: single nucleotide variant.
Coding change: c.548A>G on transcript NM_003239.5 (MANE Select); coding-DNA position 548, A replaced by G.
Protein change: p.Gln183Arg; replaces glutamine 183 with arginine.
Molecular consequence: missense variant.
Genome position (GRCh38, 1-based): chr14:75,971,224, T>C on the plus strand (A>G on the coding strand, the complement: TGFB3 is on the minus strand). VCF-style: chr14-75971224-T-C. GRCh37 (hg19) VCF-style: chr14-76437567-T-C.
Other names: c.548A>G, p.Gln183Arg (NM_001329938.2, NM_001329939.2); short protein forms Q183R.
Identifiers: ClinVar variation 2586725 (VCV002586725.2), dbSNP rs2504110747, ClinGen allele CA390469586.